The following is an entry in ClinVar:

ClinVar aggregate classification (germline): Uncertain significance (1 of 4 stars; one submission).

Conditions:
Cardiovascular phenotype. Identifiers: MedGen CN230736.

gnomAD v4.1: 4 of 1,612,258 alleles (0.00025%); highest among the groups gnomAD compares: Admixed American, 0.0017%; no homozygotes.

Submission:

Ambry Genetics
Classification: Uncertain significance for Cardiovascular phenotype. Last evaluated: 2026-06-06. Review status: criteria provided, single submitter. Criteria: Ambry Variant Classification Scheme 2023. Collection method: clinical testing. Allele origin: germline.
Comment: The p.H4903R variant (also known as c.14708A>G), located in coding exon 103 of the RYR2 gene, results from an A to G substitution at nucleotide position 14708. The histidine at codon 4903 is replaced by arginine, an amino acid with highly similar properties. This amino acid position is conserved. In addition, this alteration is predicted to be deleterious by in silico analysis. Based on the available evidence, the clinical significance of this variant remains unclear.

NM_001035.3(RYR2):c.14708A>G (p.His4903Arg)

Gene: RYR2 (ryanodine receptor 2; plus strand). Cytogenetic location: 1q43.
Variant type: single nucleotide variant.
Coding change: c.14708A>G on transcript NM_001035.3 (MANE Select); coding-DNA position 14708, A replaced by G.
Protein change: p.His4903Arg; replaces histidine 4903 with arginine.
Molecular consequence: missense variant.
Genome position (GRCh38, 1-based): chr1:237,830,582, A>G. VCF-style: chr1-237830582-A-G. GRCh37 (hg19) VCF-style: chr1-237993882-A-G.
Other names: short protein forms H4903R.
Identifiers: ClinVar variation 4863731 (VCV004863731.1).